The following is an entry in ClinVar:

NM_000038.6(APC):c.1958+27T>G

Gene: APC (APC regulator of Wnt signaling pathway; plus strand). Cytogenetic location: 5q22.2.
Variant type: single nucleotide variant.
Coding change: c.1958+27T>G on transcript NM_000038.6 (MANE Select); 27 bases into the intron after coding-DNA position 1958, T replaced by G.
Molecular consequence: intron variant.
Genome position (GRCh38, 1-based): chr5:112,835,192, T>G. VCF-style: chr5-112835192-T-G. GRCh37 (hg19) VCF-style: chr5-112170889-T-G.
Other names: c.1109+27T>G (NM_001407470.1, NM_001354906.2); c.806+27T>G (NM_001407472.1, NM_001407471.1); c.2012+27T>G (NM_001407447.1, NM_001407448.1, NM_001407449.1 and 1 more transcripts); c.1958+27T>G (NM_001354895.2, NM_001407450.1, NM_001127510.3); c.1709+27T>G (NM_001407456.1, NM_001407457.1, NM_001407455.1 and 1 more transcripts); c.1655+27T>G (NM_001407460.1, NM_001407458.1, NM_001407459.1 and 1 more transcripts); c.1928+27T>G (NM_001407452.1); c.1571+27T>G (NM_001407469.1, NM_001407467.1); and 11 more.
Identifiers: ClinVar variation 3148202 (VCV003148202.1), dbSNP rs748495382, ClinGen allele CA030115.

ClinVar aggregate classification (germline): Benign (1 of 4 stars; one submission).

Conditions:
Familial adenomatous polyposis 1 (FAP1). Also called: POLYPOSIS, ADENOMATOUS INTESTINAL; FAMILIAL ADENOMATOUS POLYPOSIS 1, ATTENUATED. Identifiers: MedGen C2713442, MONDO:0021056, OMIM 175100. Disease mechanism: loss of function.

Allele frequency attached by ClinVar (database versions not stated): gnomAD 0.00001; ExAC 0.00002; TOPMed 0.00002; gnomAD exomes 0.00003.
gnomAD v4.1: 36 of 1,570,712 alleles (0.0023%); highest among the groups gnomAD compares: Non-Finnish European, 0.0031%; no homozygotes.

Submission:

Myriad Genetics, Inc.
Classification: Benign for Familial adenomatous polyposis 1. Last evaluated: 2024-03-08. Review status: criteria provided, single submitter. Criteria: Myriad Autosomal Dominant, Autosomal Recessive and X-Linked Classification Criteria (2023). Collection method: clinical testing. Allele origin: unknown.
Comment: This variant is considered benign. This variant is intronic and is not expected to impact mRNA splicing.